The following is an entry in ClinVar:

ClinVar aggregate classification (germline): Uncertain significance (1 of 4 stars; one submission).

Conditions:
Inborn genetic diseases. Identifiers: MedGen C0950123, MeSH D030342.

Submission:

Ambry Genetics
Classification: Uncertain significance for Inborn genetic diseases. Last evaluated: 2026-04-04. Review status: criteria provided, single submitter. Criteria: Ambry Variant Classification Scheme 2023. Collection method: clinical testing. Allele origin: germline.
Comment: The p.Y1189H variant (also known as c.3565T>C), located in coding exon 1 of the SAMD9L gene, results from a T to C substitution at nucleotide position 3565. The tyrosine at codon 1189 is replaced by histidine, an amino acid with similar properties. This amino acid position is conserved. In addition, this alteration is predicted to be tolerated by in silico analysis. Based on the available evidence, the clinical significance of this variant remains unclear.

NM_152703.5(SAMD9L):c.3565T>C (p.Tyr1189His)

Gene: SAMD9L (sterile alpha motif domain containing 9 like; minus strand). Cytogenetic location: 7q21.2.
Variant type: single nucleotide variant.
Coding change: c.3565T>C on transcript NM_152703.5 (MANE Select); coding-DNA position 3565, T replaced by C.
Protein change: p.Tyr1189His; replaces tyrosine 1189 with histidine.
Molecular consequence: missense variant.
Genome position (GRCh38, 1-based): chr7:93,132,407, A>G on the plus strand (T>C on the coding strand, the complement: SAMD9L is on the minus strand). VCF-style: chr7-93132407-A-G. GRCh37 (hg19) VCF-style: chr7-92761720-A-G.
Other names: c.3565T>C, p.Tyr1189His (NM_001303496.3, NM_001303497.3, NM_001303498.3 and 5 more transcripts); short protein forms Y1189H.
Identifiers: ClinVar variation 4863927 (VCV004863927.1).